The following is an entry in ClinVar:

ClinVar aggregate classification (germline): Uncertain significance (1 of 4 stars; one submission).

Conditions:
Epilepsy, familial focal, with variable foci 3 (FFEVF3). Identifiers: MedGen C4310708, MONDO:0014925, OMIM 617118.

Submission:

Labcorp Genetics (formerly Invitae), Labcorp
Classification: Uncertain significance for Epilepsy, familial focal, with variable foci 3. Last evaluated: 2024-09-23. Review status: criteria provided, single submitter. Criteria: Invitae Variant Classification Sherloc (09022015). Collection method: clinical testing. Allele origin: germline.
Comment: This sequence change replaces leucine, which is neutral and non-polar, with valine, which is neutral and non-polar, at codon 100 of the NPRL3 protein (p.Leu100Val). This variant is not present in population databases (gnomAD no frequency). This variant has not been reported in the literature in individuals affected with NPRL3-related conditions. ClinVar contains an entry for this variant (Variation ID: 847296). Invitae Evidence Modeling of protein sequence and biophysical properties (such as structural, functional, and spatial information, amino acid conservation, physicochemical variation, residue mobility, and thermodynamic stability) indicates that this missense variant is not expected to disrupt NPRL3 protein function with a negative predictive value of 80%. In summary, the available evidence is currently insufficient to determine the role of this variant in disease. Therefore, it has been classified as a Variant of Uncertain Significance.

NM_001077350.3(NPRL3):c.298C>G (p.Leu100Val)

Genes: HBA-LCR (alpha-globin locus control region; plus strand), NPRL3 (NPR3 like, GATOR1 complex subunit; minus strand). Cytogenetic location: 16p13.3.
Variant type: single nucleotide variant.
Coding change: c.298C>G on transcript NM_001077350.3 (MANE Select); coding-DNA position 298, C replaced by G.
Protein change: p.Leu100Val; replaces leucine 100 with valine.
Molecular consequence: missense variant. On other transcripts: intron variant (1).
Genome position (GRCh38, 1-based): chr16:119,146, G>C on the plus strand (C>G on the coding strand, the complement: NPRL3 is on the minus strand). VCF-style: chr16-119146-G-C. GRCh37 (hg19) VCF-style: chr16-169145-G-C.
Other names: c.64C>G, p.Leu22Val (NM_001243247.2); c.298C>G, p.Leu100Val (NM_001243248.2, NM_001243249.2); c.-144-6371C>G (NM_001039476.3); short protein forms L100V, L22V.
Identifiers: ClinVar variation 847296 (VCV000847296.8), dbSNP rs1900178162, ClinGen allele CA393995231.
Genomic context (GRCh38, chr16:119,146, plus strand): 5'-CTGCCCAGGGAGAGCCCCACCTGCCCAGGGAGAGCCATACCTGCCCCAGAGCATGCTGTA[G>C]CAGTGTTGGGTGCCCAACAAATCGCACATTATCAATCTTCAGTTCAAATTTTTGGCCACA-3'
Protein context (NP_001070818.1, residues 90-110): NVRFVGHPTL[Leu100Val]QHALGQISKT